The following is an entry in ClinVar:

NM_007294.4(BRCA1):c.5259del (p.Glu1754fs)

Gene: BRCA1 (BRCA1 DNA repair associated; minus strand). Cytogenetic location: 17q21.31.
Variant type: Deletion.
Coding change: c.5259del on transcript NM_007294.4 (MANE Select); coding-DNA position 5259, one base deleted (A; older notation c.5259delA).
Protein change: p.Glu1754fs; shifts the reading frame from glutamic acid 1754.
Molecular consequence: frameshift variant. On other transcripts: non-coding transcript variant (1).
Genome position (GRCh38, 1-based): chr17:43,057,070, T deleted on the plus strand (A on the coding strand, the reverse complement: BRCA1 is on the minus strand). VCF-style (leftmost placement, unchanged base first): chr17-43057069-CT-C. GRCh37 (hg19) VCF-style: chr17-41209086-CT-C.
Other names: 5378delA; c.5136delA, p.Glu1713Asnfs (NM_001407664.1, NM_001407665.1, NM_001407666.1 and 6 more transcripts); c.5133delA, p.Glu1712Asnfs (NM_001407670.1, NM_001407671.1, NM_001407672.1 and 10 more transcripts); c.5130delA, p.Glu1711Asnfs (NM_001407681.1, NM_001407682.1, NM_001407683.1 and 6 more transcripts); c.5259delA, p.Glu1754Asnfs (NM_001407684.1, NM_001407854.1, NM_001407593.1 and 7 more transcripts); c.5127delA, p.Glu1710Asnfs (NM_001407690.1, NM_001407691.1); c.5118delA, p.Glu1707Asnfs (NM_001407692.1, NM_001407694.1, NM_001407695.1 and 12 more transcripts); c.5115delA, p.Glu1706Asnfs (NM_001407732.1, NM_001407733.1, NM_001407734.1 and 21 more transcripts); and 76 more; short protein forms E1707fs, E1754fs, E1775fs, E650fs.
Identifiers: ClinVar variation 37651 (VCV000037651.15), dbSNP rs80357925, ClinGen allele CA003400.

ClinVar aggregate classification (germline): Pathogenic. Review status: reviewed by expert panel (3 of 4 stars). 6 submissions from 6 submitters: Pathogenic (1). 5 of the submissions do not count toward it. Last evaluated 2016-09-08.

Conditions:
Hereditary breast ovarian cancer syndrome. Also called: Hereditary breast and ovarian cancer syndrome (HBOC); Hereditary breast and ovarian cancer syndrome; Hereditary breast and ovarian cancer; Hereditary breast and/or ovarian cancer syndrome; Breast and ovarian cancer; BRCA1- and BRCA2-Associated Hereditary Breast and Ovarian Cancer. Identifiers: Orphanet 145, MedGen C0677776, MeSH D061325, MONDO:0003582. Disease mechanism: loss of function.
Breast-ovarian cancer, familial, susceptibility to, 1 (BROVCA1). Also called: OVARIAN CANCER, SUSCEPTIBILITY TO; BRCA1 Hereditary Breast and Ovarian Cancer. Identifiers: Orphanet 145, MedGen C2676676, MONDO:0011450, OMIM 604370. Disease mechanism: loss of function.

Submissions (6):

Evidence-based Network for the Interpretation of Germline Mutant Alleles (ENIGMA)
Classification: Pathogenic for Breast-ovarian cancer, familial, susceptibility to, 1. Last evaluated: 2016-09-08. Review status: reviewed by expert panel. Criteria: ENIGMA BRCA1/2 Classification Criteria (2015). Collection method: curation. Allele origin: germline.
Comment: Variant allele predicted to encode a truncated non-functional protein.

Labcorp Genetics (formerly Invitae), Labcorp
Classification: Pathogenic for Hereditary breast ovarian cancer syndrome. Last evaluated: 2020-11-15. Review status: criteria provided, single submitter. Criteria: Invitae Variant Classification Sherloc (09022015). Collection method: clinical testing. Allele origin: germline. Not counted in ClinVar's aggregate classification.
Comment: This sequence change creates a premature translational stop signal (p.Glu1754Asnfs*11) in the BRCA1 gene. It is expected to result in an absent or disrupted protein product. Loss-of-function variants in BRCA1 are known to be pathogenic (PMID: 20104584). This variant is not present in population databases (ExAC no frequency). This variant has been observed in individual(s) with a personal or family history of breast and/or ovarian cancer (PMID: 29446198). ClinVar contains an entry for this variant (Variation ID: 37651). For these reasons, this variant has been classified as Pathogenic.

Quest Diagnostics Nichols Institute San Juan Capistrano
Classification: Pathogenic. Last evaluated: 2019-05-03. Review status: criteria provided, single submitter. Criteria: Quest Diagnostics criteria. Collection method: clinical testing. Allele origin: germline. Not counted in ClinVar's aggregate classification.
Comment: The variant results in a shift of the reading frame, and is therefore predicted to result in the loss of a functional protein. Found in at least one symptomatic patient, and not found in general population data.

Consortium of Investigators of Modifiers of BRCA1/2 (CIMBA), c/o University of Cambridge
Classification: Pathogenic for Breast-ovarian cancer, familial, susceptibility to, 1. Last evaluated: 2015-10-02. Review status: criteria provided, single submitter. Criteria: CIMBA Mutation Classification guidelines May 2016. Collection method: clinical testing. Allele origin: germline. Not counted in ClinVar's aggregate classification.

Sharing Clinical Reports Project (SCRP)
Classification: Pathogenic for Breast-ovarian cancer, familial 1. Last evaluated: 2007-06-28. Review status: no assertion criteria provided. Collection method: clinical testing. Allele origin: germline. Not counted in ClinVar's aggregate classification.

Breast Cancer Information Core (BIC) (BRCA1)
Classification: Pathogenic for Breast-ovarian cancer, familial 1. Last evaluated: 2004-11-25. Review status: no assertion criteria provided. Collection method: clinical testing. Allele origin: germline. Affected: yes. Observed: 1 variant allele. Not counted in ClinVar's aggregate classification.

Literature cited by the submitters: PubMed 20104584 (cited by Labcorp Genetics (formerly Invitae), Labcorp); PubMed 29446198 (cited by Labcorp Genetics (formerly Invitae), Labcorp and Quest Diagnostics Nichols Institute San Juan Capistrano).